The following is an entry in ClinVar:

NM_005343.4(HRAS):c.*5+14C>A

Genes: HRAS (HRas proto-oncogene, GTPase; minus strand), LRRC56 (leucine rich repeat containing 56; plus strand). Cytogenetic location: 11p15.5.
Variant type: single nucleotide variant.
Coding change: c.*5+14C>A on transcript NM_005343.4 (MANE Select); 14 bases into the intron after 5 bases downstream of the stop codon, C replaced by A.
Molecular consequence: intron variant. On other transcripts: 3 prime UTR variant (2).
Genome position (GRCh38, 1-based): chr11:532,617, G>T on the plus strand (C>A on the coding strand, the complement: HRAS is on the minus strand). VCF-style: chr11-532617-G-T. GRCh37 (hg19) VCF-style: chr11-532617-G-T.
Other names: c.*19C>A (NM_001130442.3); c.*158C>A (NM_176795.5); c.*5+14C>A (NM_001318054.2).
Identifiers: ClinVar variation 137558 (VCV000137558.1), dbSNP rs587780953, ClinGen allele CA291189.

ClinVar aggregate classification (germline): Benign (1 of 4 stars; one submission).

gnomAD v4.1: 1 of 1,607,394 alleles (0.000062%); highest among the groups gnomAD compares: Non-Finnish European, 0.000085%; no homozygotes.

Submission:

GeneDx
Classification: Benign. Last evaluated: 2012-05-18. Review status: criteria provided, single submitter. Criteria: GeneDx Variant Classification (06012015). Collection method: clinical testing. Allele origin: germline. Affected: yes.
Comment: This variant is considered likely benign or benign based on one or more of the following criteria: it is a conservative change, it occurs at a poorly conserved position in the protein, it is predicted to be benign by multiple in silico algorithms, and/or has population frequency not consistent with disease.